The following is an entry in ClinVar:

ClinVar aggregate classification (germline): Pathogenic/Likely pathogenic. Review status: criteria provided, multiple submitters, no conflicts (2 of 4 stars). 3 submissions from 3 submitters: Pathogenic (1); Likely pathogenic (2). Last evaluated 2024-05-07.

Conditions:
Muscular dystrophy-dystroglycanopathy (congenital with brain and eye anomalies), type A3. Also called: WALKER-WARBURG SYNDROME OR MUSCLE-EYE-BRAIN DISEASE, POMGNT1-RELATED; Congenital muscular dystrophy-dystroglycanopathy with brain and eye anomalies, type A3; Muscular dystrophy-dystroglycanopathy (congenital with brain and eye anomalies), type A, 3. Identifiers: MedGen C3151519, MONDO:0009667, OMIM 253280.
Autosomal recessive limb-girdle muscular dystrophy type 2O. Also called: MUSCULAR DYSTROPHY-DYSTROGLYCANOPATHY (LIMB-GIRDLE), TYPE C, 3; MUSCULAR DYSTROPHY-DYSTROGLYCANOPATHY, LIMB-GIRDLE, POMGNT1-RELATED; Limb-Girdle Muscular Dystrophy Type 3C. Identifiers: Orphanet 206564, MedGen C3150417, MONDO:0013161, OMIM 613157.
Muscular dystrophy-dystroglycanopathy (congenital with impaired intellectual development), type B, 3. Also called: MUSCULAR DYSTROPHY, CONGENITAL, POMGNT1-RELATED; Muscular dystrophy-dystroglycanopathy (congenital with intellectual disability), type B3. Identifiers: MedGen C3150412, MONDO:0013155, OMIM 613151.
Retinitis pigmentosa 76 (RP76). Identifiers: MedGen C4310704, MONDO:0014929, OMIM 617123.
Muscular dystrophy-dystroglycanopathy. Also called: Congenital muscular dystrophy due to dystroglycanopathy. Identifiers: Orphanet 370953, MedGen C5679911, MONDO:0018276.

Submissions (3):

Fulgent Genetics
Classification: Likely pathogenic for Muscular dystrophy-dystroglycanopathy (congenital with brain and eye anomalies), type A3; Muscular dystrophy-dystroglycanopathy (congenital with impaired intellectual development), type B, 3; Autosomal recessive limb-girdle muscular dystrophy type 2O; Retinitis pigmentosa 76. Last evaluated: 2024-05-07. Review status: criteria provided, single submitter. Criteria: ACMG Guidelines, 2015. Collection method: clinical testing. Allele origin: germline.

Broad Center for Mendelian Genomics, Broad Institute of MIT and Harvard
Classification: Likely pathogenic for Muscular dystrophy-dystroglycanopathy. Last evaluated: 2023-01-24. Review status: criteria provided, single submitter. Criteria: ACMG Guidelines, 2015. Collection method: curation. Allele origin: germline. Inheritance: Autosomal recessive inheritance.
Comment: The p.Lys519fs variant in POMGNT1 has not been previously reported in the literature in individuals with POMGNT1-associated muscular dystrophy-dystroglycanopathy, but has been identified in 0.0009% (1/113762) of European (non-Finnish) chromosomes by the Genome Aggregation Database (gnomAD; dbSNP ID: rs1176001640). Although this variant has been seen in the general population in a heterozygous state, its frequency is low enough to be consistent with a recessive carrier frequency. This variant has also been reported in ClinVar (Variation ID#:862774) and has been interpreted as pathogenic by Invitae. This variant is predicted to cause a frameshift, which alters the protein‚Äôs amino acid sequence beginning at position 519 and leads to a premature termination codon 18 amino acids downstream. This alteration is then predicted to lead to a truncated or absent protein. Loss of function of the POMGNT1 gene is an established disease mechanism in autosomal recessive POMGNT1-associated muscular dystrophy-dystroglycanopathy. In summary, although additional studies are required to fully establish its clinical significance, this variant is likely pathogenic for POMGNT1-associated muscular dystrophy-dystroglycanopathy. ACMG/AMP Criteria applied: PVS1, PM2 (Richards 2015).

Labcorp Genetics (formerly Invitae), Labcorp
Classification: Pathogenic for Autosomal recessive limb-girdle muscular dystrophy type 2O; Muscular dystrophy-dystroglycanopathy (congenital with impaired intellectual development), type B, 3. Last evaluated: 2021-02-21. Review status: criteria provided, single submitter. Criteria: Invitae Variant Classification Sherloc (09022015). Collection method: clinical testing. Allele origin: germline.
Comment: This variant is not present in population databases (ExAC no frequency). This variant has not been reported in the literature in individuals with POMGNT1-related conditions. ClinVar contains an entry for this variant (Variation ID: 862774). For these reasons, this variant has been classified as Pathogenic. This sequence change creates a premature translational stop signal (p.Lys519Serfs*18) in the POMGNT1 gene. It is expected to result in an absent or disrupted protein product. Loss-of-function variants in POMGNT1 are known to be pathogenic (PMID: 19299310, 20816175, 21447391, 26908613, 27391550).

Literature cited by the submitters: PubMed 19299310 (cited by Labcorp Genetics (formerly Invitae), Labcorp); PubMed 20816175 (cited by Labcorp Genetics (formerly Invitae), Labcorp); PubMed 21447391 (cited by Labcorp Genetics (formerly Invitae), Labcorp); PubMed 26908613 (cited by Labcorp Genetics (formerly Invitae), Labcorp); PubMed 27391550 (cited by Labcorp Genetics (formerly Invitae), Labcorp).

NM_017739.4(POMGNT1):c.1556del (p.Lys519fs)

Genes: TSPAN1 (tetraspanin 1; plus strand), POMGNT1 (protein O-linked mannose N-acetylglucosaminyltransferase 1 (beta 1,2-); minus strand). Cytogenetic location: 1p34.1.
Variant type: Deletion.
Coding change: c.1556del on transcript NM_017739.4 (MANE Select); coding-DNA position 1556, one base deleted (A; older notation c.1556delA).
Protein change: p.Lys519fs; shifts the reading frame from lysine 519.
Molecular consequence: frameshift variant.
Genome position (GRCh38, 1-based): chr1:46,190,768, T deleted on the plus strand (A on the coding strand, the reverse complement: POMGNT1 is on the minus strand); the first of 2 consecutive T bases (chr1:46,190,768-46,190,769); deleting either gives the same sequence. VCF-style (leftmost placement, unchanged base first): chr1-46190767-CT-C. GRCh37 (hg19) VCF-style: chr1-46656439-CT-C.
Other names: NM_017739.4(POMGNT1):c.1556del; p.Lys519fs; c.1556del, p.Lys519fs (NM_001243766.2, NM_001410783.1); c.1489delA, p.Lys497Serfs (NM_001290129.3); c.1127del, p.Lys376fs (NM_001290130.2); short protein forms K376fs, K497fs, K519fs.
Identifiers: ClinVar variation 862774 (VCV000862774.9), dbSNP rs1176001640, ClinGen allele CA522581261.